The following is an entry in ClinVar:

NM_001267550.2(TTN):c.93939C>T (p.Thr31313=)

Genes: TTN (titin; minus strand), TTN-AS1 (TTN antisense RNA 1; plus strand). Cytogenetic location: 2q31.2.
Variant type: single nucleotide variant.
Coding change: c.93939C>T on transcript NM_001267550.2 (MANE Select); coding-DNA position 93939, C replaced by T.
Protein change: p.Thr31313=; no amino-acid change (threonine 31313 retained).
Molecular consequence: synonymous variant.
Genome position (GRCh38, 1-based): chr2:178,547,687, G>A on the plus strand (C>T on the coding strand, the complement: TTN is on the minus strand). VCF-style: chr2-178547687-G-A. GRCh37 (hg19) VCF-style: chr2-179412414-G-A.
Other names: c.89016C>T, p.Thr29672= (NM_001256850.1); c.66744C>T, p.Thr22248= (NM_003319.4); c.86235C>T, p.Thr28745= (NM_133378.4); c.67119C>T, p.Thr22373= (NM_133432.3); c.67320C>T, p.Thr22440= (NM_133437.4).
Identifiers: ClinVar variation 668420 (VCV000668420.15), dbSNP rs771653811, ClinGen allele CA1987224.
Genomic context (GRCh38, chr2:178,547,687, plus strand): 5'-AGGTTCTCCCCATGACAGGACACACGATTCAGCTGAGACAGATGAGACCTCAATGGGGCC[G>A]GTTACTGGACCTGGCCTTCCAATGACCACAACTGTGACGCTAAATGTTTTAACACCAGCT-3'
Protein context (NP_001254479.2, residues 31303-31323): VVVIGRPGPV[Thr31313=]GPIEVSSVSA

ClinVar aggregate classification (germline): Likely benign. Review status: criteria provided, multiple submitters, no conflicts (2 of 4 stars). 6 submissions from 6 submitters: Likely benign (6). Last evaluated 2025-04-27.

Conditions:
Cardiovascular phenotype. Identifiers: MedGen CN230736.
Cardiomyopathy (CMYO). Also called: Cardiomyopathies. Identifiers: Orphanet 167848, MedGen C0878544, MONDO:0004994, HP:0001638. Inheritance: Various modes of inheritance.
Autosomal recessive limb-girdle muscular dystrophy type 2J (LGMDR10). Also called: Limb-girdle muscular dystrophy, type 2J; MUSCULAR DYSTROPHY, LIMB-GIRDLE, AUTOSOMAL RECESSIVE 10. Identifiers: Orphanet 140922, MedGen C1837342, MONDO:0012127, OMIM 608807.
Dilated cardiomyopathy 1G (CMD1G). Identifiers: Orphanet 154, MedGen C1858763, MONDO:0011400, OMIM 604145.
Tibial muscular dystrophy (TMD). Also called: Udd Distal Myopathy – Tibial Muscular Dystrophy; Tibial muscular dystrophy, tardive; UDD MYOPATHY. Identifiers: Orphanet 609, MedGen C1838244, MONDO:0010870, OMIM 600334.
Myopathy, myofibrillar, 9, with early respiratory failure (MFM9). Also called: Hereditary myopathy with early respiratory failure; EDSTROM MYOPATHY; MYOPATHY, PROXIMAL, WITH EARLY RESPIRATORY MUSCLE INVOLVEMENT; Myopathy, distal, with early respiratory failure, autosomal dominant. Identifiers: Orphanet 178464, Orphanet 34521, MedGen C1863599, MONDO:0011362, OMIM 603689.
Hypertrophic cardiomyopathy 9. Also called: Familial hypertrophic cardiomyopathy 9. Identifiers: MedGen C1861065, MONDO:0013412, OMIM 613765.
Early-onset myopathy with fatal cardiomyopathy (CMYO5). Also called: Salih Myopathy; CONGENITAL MYOPATHY 5 WITH CARDIOMYOPATHY. Identifiers: Orphanet 289377, MedGen C2673677, MONDO:0012714, OMIM 611705. Disease mechanism: loss of function.

Allele frequency attached by ClinVar (database versions not stated): ExAC 0.00001.
gnomAD v4.1: 30 of 1,613,886 alleles (0.0019%); highest among the groups gnomAD compares: Non-Finnish European, 0.0021%; no homozygotes.

Submissions (6):

Labcorp Genetics (formerly Invitae), Labcorp
Classification: Likely benign for Dilated cardiomyopathy 1G; Autosomal recessive limb-girdle muscular dystrophy type 2J. Last evaluated: 2025-04-27. Review status: criteria provided, single submitter. Criteria: Invitae Variant Classification Sherloc (09022015). Collection method: clinical testing. Allele origin: germline.

Ambry Genetics
Classification: Likely benign for Cardiovascular phenotype. Last evaluated: 2023-04-17. Review status: criteria provided, single submitter. Criteria: Ambry Variant Classification Scheme 2023. Collection method: clinical testing. Allele origin: germline.

Women's Health and Genetics/Laboratory Corporation of America, LabCorp
Classification: Likely benign. Last evaluated: 2023-02-05. Review status: criteria provided, single submitter. Criteria: LabCorp Variant Classification Summary - May 2015. Collection method: clinical testing. Allele origin: germline.

CHEO Genetics Diagnostic Laboratory, Children's Hospital of Eastern Ontario
Classification: Likely benign for Cardiomyopathy. Last evaluated: 2022-11-04. Review status: criteria provided, single submitter. Criteria: ACMG Guidelines, 2015. Collection method: clinical testing. Allele origin: germline.

Fulgent Genetics
Classification: Likely benign for Tibial muscular dystrophy; Myopathy, myofibrillar, 9, with early respiratory failure; Dilated cardiomyopathy 1G; Autosomal recessive limb-girdle muscular dystrophy type 2J; Early-onset myopathy with fatal cardiomyopathy; Hypertrophic cardiomyopathy 9. Last evaluated: 2021-09-06. Review status: criteria provided, single submitter. Criteria: ACMG Guidelines, 2015. Collection method: clinical testing. Allele origin: unknown.

GeneDx
Classification: Likely benign. Last evaluated: 2018-05-10. Review status: criteria provided, single submitter. Criteria: GeneDx Variant Classification (06012015). Collection method: clinical testing. Allele origin: germline. Affected: yes.
Comment: This variant is considered likely benign or benign based on one or more of the following criteria: it is a conservative change, it occurs at a poorly conserved position in the protein, it is predicted to be benign by multiple in silico algorithms, and/or has population frequency not consistent with disease.